The following is an entry in ClinVar:

ClinVar aggregate classification (germline): Uncertain significance (1 of 4 stars; one submission).

Conditions:
Autosomal dominant epilepsy with auditory features. Identifiers: Orphanet 101046, MedGen C1838062, MONDO:0010898.

Submission:

Labcorp Genetics (formerly Invitae), Labcorp
Classification: Uncertain significance for Autosomal dominant epilepsy with auditory features. Last evaluated: 2022-12-17. Review status: criteria provided, single submitter. Criteria: Invitae Variant Classification Sherloc (09022015). Collection method: clinical testing. Allele origin: germline.
Comment: This variant has not been reported in the literature in individuals affected with LGI1-related conditions. In summary, the available evidence is currently insufficient to determine the role of this variant in disease. Therefore, it has been classified as a Variant of Uncertain Significance. Advanced modeling of protein sequence and biophysical properties (such as structural, functional, and spatial information, amino acid conservation, physicochemical variation, residue mobility, and thermodynamic stability) performed at Invitae indicates that this missense variant is not expected to disrupt LGI1 protein function. This variant is not present in population databases (gnomAD no frequency). This sequence change replaces alanine, which is neutral and non-polar, with valine, which is neutral and non-polar, at codon 253 of the LGI1 protein (p.Ala253Val).

NM_005097.4(LGI1):c.758C>T (p.Ala253Val)

Gene: LGI1 (leucine rich glioma inactivated 1; plus strand). Cytogenetic location: 10q23.33.
Variant type: single nucleotide variant.
Coding change: c.758C>T on transcript NM_005097.4 (MANE Select); coding-DNA position 758, C replaced by T.
Protein change: p.Ala253Val; replaces alanine 253 with valine.
Molecular consequence: missense variant. On other transcripts: non-coding transcript variant (1).
Genome position (GRCh38, 1-based): chr10:93,793,270, C>T. VCF-style: chr10-93793270-C-T. GRCh37 (hg19) VCF-style: chr10-95553027-C-T.
Other names: c.758C>T, p.Ala253Val (NM_001308275.2); c.614C>T, p.Ala205Val (NM_001308276.2); short protein forms A253V, A205V.
Identifiers: ClinVar variation 2812874 (VCV002812874.3), dbSNP rs2492906190, ClinGen allele CA377624238.